The following is an entry in ClinVar:

NM_016111.4(TELO2):c.1236C>T (p.Val412=)

Gene: TELO2 (telomere maintenance 2; plus strand). Cytogenetic location: 16p13.3.
Variant type: single nucleotide variant.
Coding change: c.1236C>T on transcript NM_016111.4 (MANE Select); coding-DNA position 1236, C replaced by T.
Protein change: p.Val412=; no amino-acid change (valine 412 retained).
Molecular consequence: synonymous variant.
Genome position (GRCh38, 1-based): chr16:1,500,654, C>T. VCF-style: chr16-1500654-C-T. GRCh37 (hg19) VCF-style: chr16-1550655-C-T.
Other names: c.1236C>T, p.Val412= (NM_001351846.2).
Identifiers: ClinVar variation 2767525 (VCV002767525.17), dbSNP rs754820309, ClinGen allele CA7812005.

ClinVar aggregate classification (germline): Likely benign. Review status: criteria provided, multiple submitters, no conflicts (2 of 4 stars). 2 submissions from 2 submitters: Likely benign (2). Last evaluated 2024-10-01.

Allele frequency attached by ClinVar (database versions not stated): gnomAD exomes 0.00002; TOPMed 0.00002; ExAC 0.00003.
gnomAD v4.1: 29 of 1,612,564 alleles (0.0018%); highest among the groups gnomAD compares: East Asian, 0.02%; no homozygotes.

Submissions (2):

CeGaT Center for Human Genetics Tuebingen
Classification: Likely benign. Last evaluated: 2024-10-01. Review status: criteria provided, single submitter. Criteria: CeGaT Center For Human Genetics Tuebingen Variant Classification Criteria Version 2. Collection method: clinical testing. Allele origin: germline. Affected: yes. Observed: 1 variant allele.
Comment: TELO2: BP4, BP7

Labcorp Genetics (formerly Invitae), Labcorp
Classification: Likely benign. Last evaluated: 2024-09-25. Review status: criteria provided, single submitter. Criteria: Invitae Variant Classification Sherloc (09022015). Collection method: clinical testing. Allele origin: germline.